The following is an entry in ClinVar:

ClinVar aggregate classification (germline): Likely pathogenic (1 of 4 stars; one submission).

Conditions:
Ataxia - intellectual disability - oculomotor apraxia - cerebellar cysts syndrome. Also called: Poretti-Boltshauser syndrome. Identifiers: Orphanet 370022, MedGen C4014821, MONDO:0014419, OMIM 615960.

Submission:

3billion
Classification: Likely pathogenic for Ataxia - intellectual disability - oculomotor apraxia - cerebellar cysts syndrome. Last evaluated: 2024-06-12. Review status: criteria provided, single submitter. Criteria: ACMG Guidelines, 2015. Collection method: clinical testing. Allele origin: germline. Affected: yes.
Comment: The variant is not observed in the gnomAD v4.0.0 dataset. Predicted Consequence/Location: Canonical splice site: predicted to alter splicing and result in a loss or disruption of normal protein function. Multiple pathogenic loss-of-function variants are reported downstream of the variant. In silico tools predict the variant to alter splicing and produce an abnormal transcript [SpliceAI: 0.99 (spliceogenicity >=0.2, non-spliceogenicity <0.1)]. Therefore, this variant is classified as Likely pathogenic according to the recommendation of ACMG/AMP guideline.

NM_005559.4(LAMA1):c.588+1G>T

Gene: LAMA1 (laminin subunit alpha 1; minus strand). Cytogenetic location: 18p11.31.
Variant type: single nucleotide variant.
Coding change: c.588+1G>T on transcript NM_005559.4 (MANE Select); the canonical splice donor site of the intron after coding-DNA position 588, G replaced by T.
Molecular consequence: splice donor variant.
Genome position (GRCh38, 1-based): chr18:7,050,693, C>A on the plus strand (G>T on the coding strand, the complement: LAMA1 is on the minus strand). VCF-style: chr18-7050693-C-A. GRCh37 (hg19) VCF-style: chr18-7050692-C-A.
Identifiers: ClinVar variation 4293213 (VCV004293213.1).